The following is an entry in ClinVar:

NM_003106.4(SOX2):c.337C>T (p.Arg113Trp)

Genes: SOX2 (SRY-box transcription factor 2; plus strand), SOX2-OT (SOX2 overlapping transcript; plus strand), LOC108281177 (SOX2 5' regulatory region; plus strand). Cytogenetic location: 3q26.33.
Variant type: single nucleotide variant.
Coding change: c.337C>T on transcript NM_003106.4 (MANE Select); coding-DNA position 337, C replaced by T.
Protein change: p.Arg113Trp; replaces arginine 113 with tryptophan.
Molecular consequence: missense variant.
Genome position (GRCh38, 1-based): chr3:181,712,697, C>T. VCF-style: chr3-181712697-C-T. GRCh37 (hg19) VCF-style: chr3-181430485-C-T.
Other names: short protein forms R113W.
Identifiers: ClinVar variation 577696 (VCV000577696.10), dbSNP rs1560264395, ClinGen allele CA355473660.

ClinVar aggregate classification (germline): Pathogenic (1 of 4 stars; one submission).

Conditions:
Anophthalmia/microphthalmia-esophageal atresia syndrome (MCOPS3). Also called: AEG SYNDROME; SOX2 Disorder; MICROPHTHALMIA AND ESOPHAGEAL ATRESIA SYNDROME. Identifiers: Orphanet 77298, MedGen C1859773, MONDO:0008799, OMIM 206900.

Submission:

Labcorp Genetics (formerly Invitae), Labcorp
Classification: Pathogenic for Anophthalmia/microphthalmia-esophageal atresia syndrome. Last evaluated: 2023-11-13. Review status: criteria provided, single submitter. Criteria: Invitae Variant Classification Sherloc (09022015). Collection method: clinical testing. Allele origin: germline.
Comment: This sequence change replaces arginine, which is basic and polar, with tryptophan, which is neutral and slightly polar, at codon 113 of the SOX2 protein (p.Arg113Trp). This variant is not present in population databases (gnomAD no frequency). This missense change has been observed in individual(s) with SOX2-related conditions (Invitae). In at least one individual the variant was observed to be de novo. ClinVar contains an entry for this variant (Variation ID: 577696). Advanced modeling of protein sequence and biophysical properties (such as structural, functional, and spatial information, amino acid conservation, physicochemical variation, residue mobility, and thermodynamic stability) performed at Invitae indicates that this missense variant is expected to disrupt SOX2 protein function with a positive predictive value of 80%. For these reasons, this variant has been classified as Pathogenic.